The following is an entry in ClinVar:

NM_001323289.2(CDKL5):c.2579_2582dup (p.Leu862fs)

Gene: CDKL5 (cyclin dependent kinase like 5; plus strand). Cytogenetic location: Xp22.13.
Variant type: Duplication.
Coding change: c.2579_2582dup on transcript NM_001323289.2 (MANE Select); coding-DNA positions 2579 to 2582, 4 bases duplicated (AGCC; older notation c.2579_2582dupAGCC).
Protein change: p.Leu862fs; shifts the reading frame from leucine 862.
Molecular consequence: frameshift variant.
Genome position (GRCh38, 1-based): chrX:18,628,453-18,628,456, AGCC duplicated; duplicating any 4 consecutive bases within chrX:18,628,451-18,628,456 gives the same sequence; the c. name uses the placement nearest the transcript's 3' end. VCF-style (leftmost placement, unchanged base first): chrX-18628450-T-TCCAG. GRCh37 (hg19) VCF-style: chrX-18646570-T-TCCAG.
Other names: c.2579_2582dup, p.Leu862fs (NM_001037343.2, NM_003159.3); short protein forms L862fs.
Identifiers: ClinVar variation 1075877 (VCV001075877.9), dbSNP rs2147178955, ClinGen allele CA2499226526.

ClinVar aggregate classification (germline): Pathogenic (1 of 4 stars; one submission).

Conditions:
Angelman syndrome-like. Identifiers: MedGen CN128785.
Developmental and epileptic encephalopathy, 2 (DEE2). Also called: INFANTILE SPASM SYNDROME, X-LINKED 2; CDKL5 deficiency disorder. Identifiers: Orphanet 1934, Orphanet 3451, Orphanet 505652, MedGen C4750718, MONDO:0010396, OMIM 300672.

Submission:

Labcorp Genetics (formerly Invitae), Labcorp
Classification: Pathogenic for Developmental and epileptic encephalopathy, 2; Angelman syndrome-like. Last evaluated: 2020-09-20. Review status: criteria provided, single submitter. Criteria: Invitae Variant Classification Sherloc (09022015). Collection method: clinical testing. Allele origin: germline.
Comment: This variant disrupts the C-terminus of the CDKL5 protein. Other variant(s) that disrupt this region (NM_001323289.1:c.2828_2829del, p.Arg943fs*11) have been determined to be pathogenic (PMID: 29444904). This suggests that variants that disrupt this region of the protein are likely to be causative of disease. For these reasons, this variant has been classified as Pathogenic. This variant has not been reported in the literature in individuals with CDKL5-related conditions. This variant is not present in population databases (ExAC no frequency). This sequence change creates a premature translational stop signal (p.Leu862Alafs*49) in the CDKL5 gene. It is expected to result in an absent or disrupted protein product.

Literature cited by the submitters: PubMed 29444904.